The following is an entry in ClinVar:

NM_001365951.3(KIF1B):c.4321A>T (p.Ile1441Phe)

Gene: KIF1B (kinesin family member 1B; plus strand). Cytogenetic location: 1p36.22.
Variant type: single nucleotide variant.
Coding change: c.4321A>T on transcript NM_001365951.3 (MANE Select); coding-DNA position 4321, A replaced by T.
Protein change: p.Ile1441Phe; replaces isoleucine 1441 with phenylalanine.
Molecular consequence: missense variant.
Genome position (GRCh38, 1-based): chr1:10,363,299, A>T. VCF-style: chr1-10363299-A-T. GRCh37 (hg19) VCF-style: chr1-10423357-A-T.
Other names: c.4321A>T, p.Ile1441Phe (NM_001365952.1); c.4183A>T, p.Ile1395Phe (NM_015074.3); short protein forms I1395F, I1441F.
Identifiers: ClinVar variation 1738516 (VCV001738516.4), dbSNP rs781347560, ClinGen allele CA582047.
Genomic context (GRCh38, chr1:10,363,299, plus strand): 5'-TGTGCTTTAAGAGATTAAACAATTGTTTTATTTTCTTCAAATAGGAATCGAGTCACTGGC[A>T]TTTACGAACTCAGCTTATGCAAAATGTCAGACACAGGTAGTCCAGGTAAGCTCTTGTGGA-3'
Protein context (NP_001352880.1, residues 1431-1451): KSPDSNRVTG[Ile1441Phe]YELSLCKMSD

ClinVar aggregate classification (germline): Uncertain significance. Review status: criteria provided, multiple submitters, no conflicts (2 of 4 stars). 2 submissions from 2 submitters: Uncertain significance (2). Last evaluated 2023-05-31.

Conditions:
Pheochromocytoma. Also called: MAX-Related Hereditary Paraganglioma-Pheochromocytoma Syndrome. Identifiers: Orphanet 29072, MedGen C0031511, MONDO:0008233, OMIM 171300, HP:0002666.

Allele frequency attached by ClinVar (database versions not stated): ExAC 0.00001; gnomAD exomes 0.00001.
gnomAD v4.1: 8 of 1,613,532 alleles (0.0005%); highest among the groups gnomAD compares: South Asian, 0.0011%; no homozygotes.

Submissions (2):

St. Jude Molecular Pathology, St. Jude Children's Research Hospital
Classification: Uncertain significance for Pheochromocytoma. Last evaluated: 2023-05-31. Review status: criteria provided, single submitter. Criteria: St. Jude Assertion Criteria 2020. Collection method: clinical testing. Allele origin: germline.
Comment: The KIF1B c.4183A>T (p.Ile1395Phe) missense change has a maximum subpopulation frequency of 0.0018% in gnomAD v2.1.1. The in silico tool REVEL is inconclusive about a pathogenic or benign effect of this variant on protein function, and to our knowledge functional studies have not been performed. To our knowledge, this variant has not been reported in individuals with pheochromocytoma or neuroblastoma. In summary, the evidence currently available is insufficient to determine the clinical significance of this variant. It has therefore been classified as of uncertain significance.

Ambry Genetics
Classification: Uncertain significance. Last evaluated: 2023-03-06. Review status: criteria provided, single submitter. Criteria: Ambry Variant Classification Scheme 2023. Collection method: clinical testing. Allele origin: germline.
Comment: The p.I1395F variant (also known as c.4183A>T), located in coding exon 38 of the KIF1B gene, results from an A to T substitution at nucleotide position 4183. The isoleucine at codon 1395 is replaced by phenylalanine, an amino acid with highly similar properties. This amino acid position is well conserved in available vertebrate species. In addition, this alteration is predicted to be deleterious by in silico analysis. Since supporting evidence is limited at this time, the clinical significance of this alteration remains unclear.